The following is an entry in ClinVar:

ClinVar aggregate classification (germline): Uncertain significance (1 of 4 stars; one submission).

Conditions:
Susceptibility to respiratory infections associated with CD8alpha chain mutation (IMD116). Also called: Cd8 deficiency, familial; IMMUNODEFICIENCY 116. Identifiers: Orphanet 169085, MedGen C1837065, MONDO:0012161, OMIM 608957.

Allele frequency attached by ClinVar (database versions not stated): TOPMed 0.00008; gnomAD exomes 0.00002; ExAC 0.00003.
gnomAD v4.1: 20 of 1,613,912 alleles (0.0012%); highest among the groups gnomAD compares: African/African-American, 0.024%; no homozygotes.

Submission:

Labcorp Genetics (formerly Invitae), Labcorp
Classification: Uncertain significance for Susceptibility to respiratory infections associated with CD8alpha chain mutation. Last evaluated: 2022-02-02. Review status: criteria provided, single submitter. Criteria: Invitae Variant Classification Sherloc (09022015). Collection method: clinical testing. Allele origin: germline.
Comment: This sequence change replaces leucine, which is neutral and non-polar, with glutamine, which is neutral and polar, at codon 118 of the CD8A protein (p.Leu118Gln). This variant is present in population databases (rs753216829, gnomAD 0.03%). This variant has not been reported in the literature in individuals affected with CD8A-related conditions. ClinVar contains an entry for this variant (Variation ID: 999509). Algorithms developed to predict the effect of missense changes on protein structure and function are either unavailable or do not agree on the potential impact of this missense change (SIFT: "Deleterious"; PolyPhen-2: "Probably Damaging"; Align-GVGD: "Class C0"). Algorithms developed to predict the effect of sequence changes on RNA splicing suggest that this variant may create or strengthen a splice site. In summary, the available evidence is currently insufficient to determine the role of this variant in disease. Therefore, it has been classified as a Variant of Uncertain Significance.

NM_001768.7(CD8A):c.353T>A (p.Leu118Gln)

Gene: CD8A (CD8 subunit alpha; minus strand). Cytogenetic location: 2p11.2.
Variant type: single nucleotide variant.
Coding change: c.353T>A on transcript NM_001768.7 (MANE Select); coding-DNA position 353, T replaced by A.
Protein change: p.Leu118Gln; replaces leucine 118 with glutamine.
Molecular consequence: missense variant. On other transcripts: non-coding transcript variant (3).
Genome position (GRCh38, 1-based): chr2:86,790,378, A>T on the plus strand (T>A on the coding strand, the complement: CD8A is on the minus strand). VCF-style: chr2-86790378-A-T. GRCh37 (hg19) VCF-style: chr2-87017501-A-T.
Other names: c.353T>A, p.Leu118Gln (NM_001145873.1, NM_001382698.1, NM_171827.4); short protein forms L118Q.
Identifiers: ClinVar variation 999509 (VCV000999509.6), dbSNP rs753216829, ClinGen allele CA1751222.